The following is an entry in ClinVar:

ClinVar aggregate classification (germline): Pathogenic. Review status: criteria provided, multiple submitters, no conflicts (2 of 4 stars). 3 submissions from 3 submitters: Pathogenic (2). 1 of the submissions does not count toward it. Last evaluated 2022-08-22.

Conditions:
Lymphangiomyomatosis (LAM). Also called: Lymphangioleiomyomatosis; Lymphangioleiomyomatosis, somatic. Identifiers: Orphanet 538, MedGen C0751674, MONDO:0011705, OMIM 606690.
Tuberous sclerosis 1 (TSC1). Identifiers: Orphanet 805, MedGen C1854465, MONDO:0008612, OMIM 191100.
Tuberous sclerosis syndrome (TSC). Also called: Tuberous Sclerosis Complex; Tuberous sclerosis. Identifiers: Orphanet 805, MedGen C0041341, MONDO:0001734.

Submissions (3):

Labcorp Genetics (formerly Invitae), Labcorp
Classification: Pathogenic for Tuberous sclerosis 1. Last evaluated: 2022-08-22. Review status: criteria provided, single submitter. Criteria: Invitae Variant Classification Sherloc (09022015). Collection method: clinical testing. Allele origin: germline.
Comment: For these reasons, this variant has been classified as Pathogenic. Algorithms developed to predict the effect of sequence changes on RNA splicing suggest that this variant may disrupt the consensus splice site. ClinVar contains an entry for this variant (Variation ID: 48902). Disruption of this splice site has been observed in individual(s) with tuberous sclerosis (PMID: 10227394, 11112665). In at least one individual the variant was observed to be de novo. This variant is not present in population databases (gnomAD no frequency). This sequence change affects an acceptor splice site in intron 4 of the TSC1 gene. It is expected to disrupt RNA splicing. Variants that disrupt the donor or acceptor splice site typically lead to a loss of protein function (PMID: 16199547), and loss-of-function variants in TSC1 are known to be pathogenic (PMID: 10227394, 17304050).

Molecular Genetics Department, Kulakov National Medical Research Center for Obstetrics, Gynecology and Perinatology
Classification: Pathogenic for Tuberous sclerosis 1; Lymphangiomyomatosis. Review status: criteria provided, single submitter. Criteria: ACMG Guidelines, 2015. Collection method: clinical testing. Allele origin: germline. Affected: yes. Observed: 1 variant allele.
Comment: A previously undescribed heterozygous nucleotide variant creates an alteration of the canonical splice site c.211-1G>A in the TSC1 gene. Heterozygous variants are reported in patients with Tuberous sclerosis-1, 191100. The variant is not present in population database (gnomAD no frequency). In summary, this variant has been classified as pathogenic.

Tuberous sclerosis database (TSC1)
No classification provided. Condition: TSC. Review status: no classification provided. Criteria: Tuberous Sclerosis Database Assertion Criteria 2015. Collection method: curation. Allele origin: germline. Affected: yes. Not counted in ClinVar's aggregate classification.

Literature cited by the submitters: PubMed 10227394 (cited by Labcorp Genetics (formerly Invitae), Labcorp); PubMed 11112665 (cited by Labcorp Genetics (formerly Invitae), Labcorp); PubMed 16199547 (cited by Labcorp Genetics (formerly Invitae), Labcorp); PubMed 17304050 (cited by Labcorp Genetics (formerly Invitae), Labcorp).

NM_000368.5(TSC1):c.211-1G>A

Gene: TSC1 (TSC complex subunit 1; minus strand). Cytogenetic location: 9q34.13.
Variant type: single nucleotide variant.
Coding change: c.211-1G>A on transcript NM_000368.5 (MANE Select); the canonical splice acceptor site of the intron before coding-DNA position 211, G replaced by A.
Molecular consequence: splice acceptor variant. On other transcripts: intron variant (5).
Genome position (GRCh38, 1-based): chr9:132,925,740, C>T on the plus strand (G>A on the coding strand, the complement: TSC1 is on the minus strand). VCF-style: chr9-132925740-C-T. GRCh37 (hg19) VCF-style: chr9-135801127-C-T.
Other names: c.-153-1G>A (NM_001406620.1, NM_001406618.1, NM_001406625.1 and 5 more transcripts); c.210+1461G>A (NM_001406613.1, NM_001406612.1, NM_001406610.1 and 2 more transcripts); c.-667-1G>A (NM_001406627.1, NM_001406628.1, NM_001406626.1); c.-809-1G>A (NM_001406629.1); c.211-1G>A (NM_001406603.1, NM_001406609.1, NM_001406597.1 and 16 more transcripts); c.-245-1G>A (NM_001406614.1, NM_001406624.1, NM_001406616.1); c.-883-1G>A (NM_001406630.1); c.-278-1G>A (NM_001406623.1, NM_001406615.1).
Identifiers: ClinVar variation 48902 (VCV000048902.9), dbSNP rs118203353, ClinGen allele CA006045.